The following is an entry in ClinVar:

ClinVar aggregate classification (germline): Uncertain significance (1 of 4 stars; one submission).

Submission:

GeneDx
Classification: Uncertain significance. Last evaluated: 2023-02-17. Review status: criteria provided, single submitter. Criteria: GeneDx Variant Classification Process June 2021. Collection method: clinical testing. Allele origin: germline. Affected: yes.
Comment: Not observed at significant frequency in large population cohorts (gnomAD); In silico analysis supports that this missense variant has a deleterious effect on protein structure/function; Has not been previously published as pathogenic or benign to our knowledge

NM_001197104.2(KMT2A):c.4597T>C (p.Cys1533Arg)

Gene: KMT2A (lysine methyltransferase 2A; plus strand). Cytogenetic location: 11q23.3.
Variant type: single nucleotide variant.
Coding change: c.4597T>C on transcript NM_001197104.2 (MANE Select); coding-DNA position 4597, T replaced by C.
Protein change: p.Cys1533Arg; replaces cysteine 1533 with arginine.
Molecular consequence: missense variant.
Genome position (GRCh38, 1-based): chr11:118,490,150, T>C. VCF-style: chr11-118490150-T-C. GRCh37 (hg19) VCF-style: chr11-118360865-T-C.
Other names: c.4696T>C, p.Cys1566Arg (NM_001412597.1); c.4597T>C, p.Cys1533Arg (NM_005933.4); short protein forms C1533R, C1566R.
Identifiers: ClinVar variation 2576698 (VCV002576698.1), dbSNP rs2496912798, ClinGen allele CA382833930.